The following is an entry in ClinVar:

NM_024757.5(EHMT1):c.188C>G (p.Ala63Gly)

Gene: EHMT1 (euchromatic histone lysine methyltransferase 1; plus strand). Cytogenetic location: 9q34.3.
Variant type: single nucleotide variant.
Coding change: c.188C>G on transcript NM_024757.5 (MANE Select); coding-DNA position 188, C replaced by G.
Protein change: p.Ala63Gly; replaces alanine 63 with glycine.
Molecular consequence: missense variant.
Genome position (GRCh38, 1-based): chr9:137,716,728, C>G. VCF-style: chr9-137716728-C-G. GRCh37 (hg19) VCF-style: chr9-140611180-C-G.
Other names: c.188C>G, p.Ala63Gly (NM_001145527.2, NM_001354263.2, NM_001354611.2); c.95C>G, p.Ala32Gly (NM_001354259.2, NM_001354612.2); c.188C>G (NM_024757.4); short protein forms A32G, A63G.
Identifiers: ClinVar variation 1627780 (VCV001627780.10), dbSNP rs138292762, ClinGen allele CA375763009.

ClinVar aggregate classification (germline): Conflicting classifications of pathogenicity. Review status: criteria provided, conflicting classifications (1 of 4 stars). 3 submissions from 3 submitters: Uncertain significance (2); Benign (1). Last evaluated 2025-11-09.

Conditions:
Kleefstra syndrome 1 (KLEFS1). Identifiers: Orphanet 261494, MedGen C0795833, MONDO:0027407, OMIM 610253.
Inborn genetic diseases. Identifiers: MedGen C0950123, MeSH D030342.

gnomAD v4.1: 6 of 1,612,238 alleles (0.00037%); highest among the groups gnomAD compares: African/African-American, 0.0053%; no homozygotes.

Submissions (3):

Labcorp Genetics (formerly Invitae), Labcorp
Classification: Benign for Kleefstra syndrome 1. Last evaluated: 2025-11-09. Review status: criteria provided, single submitter. Criteria: Invitae Variant Classification Sherloc (09022015). Collection method: clinical testing. Allele origin: germline.

Ambry Genetics
Classification: Uncertain significance for Inborn genetic diseases. Last evaluated: 2025-04-11. Review status: criteria provided, single submitter. Criteria: Ambry Variant Classification Scheme 2023. Collection method: clinical testing. Allele origin: germline.

GeneDx
Classification: Uncertain significance. Last evaluated: 2022-11-08. Review status: criteria provided, single submitter. Criteria: GeneDx Variant Classification Process June 2021. Collection method: clinical testing. Allele origin: germline. Affected: yes.
Comment: Not observed at significant frequency in large population cohorts (gnomAD); In silico analysis supports that this missense variant does not alter protein structure/function; Has not been previously published as pathogenic or benign to our knowledge